The following is an entry in ClinVar:

NM_001130823.3(DNMT1):c.3807-7C>G

Gene: DNMT1 (DNA methyltransferase 1; minus strand). Cytogenetic location: 19p13.2.
Variant type: single nucleotide variant.
Coding change: c.3807-7C>G on transcript NM_001130823.3 (MANE Select); 7 bases into the intron before coding-DNA position 3807, C replaced by G.
Molecular consequence: intron variant.
Genome position (GRCh38, 1-based): chr19:10,139,824, G>C on the plus strand (C>G on the coding strand, the complement: DNMT1 is on the minus strand). VCF-style: chr19-10139824-G-C. GRCh37 (hg19) VCF-style: chr19-10250500-G-C.
Other names: c.3444-7C>G (NM_001318731.2); c.3759-7C>G (NM_001379.4, NM_001318730.2).
Identifiers: ClinVar variation 3627235 (VCV003627235.2).

ClinVar aggregate classification (germline): Uncertain significance (1 of 4 stars; one submission).

Conditions:
Hereditary sensory neuropathy-deafness-dementia syndrome. Also called: NEUROPATHY, HEREDITARY SENSORY, WITH HEARING LOSS AND DEMENTIA; HSN IE; Hereditary sensory neuropathy type IE; Hereditary Sensory and Autonomic Neuropathy Type 1E (HSAN1E). Identifiers: Orphanet 456318, MedGen C3279885, MONDO:0013584, OMIM 614116.

gnomAD v4.1: 16 of 1,572,098 alleles (0.001%); highest among the groups gnomAD compares: Non-Finnish European, 0.0012%; no homozygotes.

Submission:

Labcorp Genetics (formerly Invitae), Labcorp
Classification: Uncertain significance for Hereditary sensory neuropathy-deafness-dementia syndrome. Last evaluated: 2024-04-17. Review status: criteria provided, single submitter. Criteria: Invitae Variant Classification Sherloc (09022015). Collection method: clinical testing. Allele origin: germline.
Comment: This sequence change falls in intron 33 of the DNMT1 gene. It does not directly change the encoded amino acid sequence of the DNMT1 protein. This variant is present in population databases (no rsID available, gnomAD 0.003%). This variant has not been reported in the literature in individuals affected with DNMT1-related conditions. Algorithms developed to predict the effect of sequence changes on RNA splicing suggest that this variant may disrupt the consensus splice site. In summary, the available evidence is currently insufficient to determine the role of this variant in disease. Therefore, it has been classified as a Variant of Uncertain Significance.